The following is an entry in ClinVar:

NM_007315.4(STAT1):c.1447-8C>G

Gene: STAT1 (signal transducer and activator of transcription 1; minus strand). Cytogenetic location: 2q32.2.
Variant type: single nucleotide variant.
Coding change: c.1447-8C>G on transcript NM_007315.4 (MANE Select); 8 bases into the intron before coding-DNA position 1447, C replaced by G.
Molecular consequence: intron variant.
Genome position (GRCh38, 1-based): chr2:190,982,526, G>C on the plus strand (C>G on the coding strand, the complement: STAT1 is on the minus strand). VCF-style: chr2-190982526-G-C. GRCh37 (hg19) VCF-style: chr2-191847252-G-C.
Other names: c.1357-8C>G (NM_001384890.1); c.1348-8C>G (NM_001384883.1); c.1288-8C>G (NM_001384885.1); c.1354-8C>G (NM_001384887.1); c.1387-8C>G (NM_001384880.1); c.1417-8C>G (NM_001384888.1); c.1441-8C>G (NM_001384882.1); c.1447-8C>G (NM_001384889.1, NM_001384886.1, NM_139266.3); and 2 more.
Identifiers: ClinVar variation 1145511 (VCV001145511.32), dbSNP rs769967623, ClinGen allele CA2029907.

ClinVar aggregate classification (germline): Likely benign. Review status: criteria provided, multiple submitters, no conflicts (2 of 4 stars). 2 submissions from 2 submitters: Likely benign (2). Last evaluated 2022-12-01.

Conditions:
Mendelian susceptibility to mycobacterial diseases due to partial STAT1 deficiency. Also called: Immunodeficiency 31a; IMMUNODEFICIENCY 31A, MYCOBACTERIOSIS, AUTOSOMAL DOMINANT; STAT1 DEFICIENCY, AUTOSOMAL DOMINANT. Identifiers: Orphanet 319595, MedGen C4013950, MONDO:0013956, OMIM 614892.
Immunodeficiency 31B. Also called: IMMUNODEFICIENCY 31B, MYCOBACTERIAL AND VIRAL INFECTIONS, AUTOSOMAL RECESSIVE; STAT1 DEFICIENCY, AUTOSOMAL RECESSIVE. Identifiers: Orphanet 391311, MedGen C3151088, MONDO:0013427, OMIM 613796.
Autoimmune enteropathy and endocrinopathy - susceptibility to chronic infections syndrome. Also called: Immunodeficiency 31C; Immunodeficiency 31C, autosomal dominant. Identifiers: Orphanet 391487, MedGen C3279990, MONDO:0013599, OMIM 614162.

Allele frequency attached by ClinVar (database versions not stated): ExAC 0.00001; gnomAD 0.00001; gnomAD exomes 0.00002.
gnomAD v4.1: 13 of 1,613,976 alleles (0.00081%); highest among the groups gnomAD compares: Non-Finnish European, 0.0011%; no homozygotes.

Submissions (2):

CeGaT Center for Human Genetics Tuebingen
Classification: Likely benign. Last evaluated: 2022-12-01. Review status: criteria provided, single submitter. Criteria: CeGaT Center For Human Genetics Tuebingen Variant Classification Criteria Version 2. Collection method: clinical testing. Allele origin: germline. Affected: yes. Observed: 1 variant allele.
Comment: STAT1: BP4, BS2

Labcorp Genetics (formerly Invitae), Labcorp
Classification: Likely benign for Mendelian susceptibility to mycobacterial diseases due to partial STAT1 deficiency; Immunodeficiency 31B; Autoimmune enteropathy and endocrinopathy - susceptibility to chronic infections syndrome. Last evaluated: 2022-11-23. Review status: criteria provided, single submitter. Criteria: Invitae Variant Classification Sherloc (09022015). Collection method: clinical testing. Allele origin: germline.